The following is an entry in ClinVar:

NM_152618.3(BBS12):c.1401C>T (p.Asp467=)

Gene: BBS12 (Bardet-Biedl syndrome 12; plus strand). Cytogenetic location: 4q27.
Variant type: single nucleotide variant.
Coding change: c.1401C>T on transcript NM_152618.3 (MANE Select); coding-DNA position 1401, C replaced by T.
Protein change: p.Asp467=; no amino-acid change (aspartic acid 467 retained).
Molecular consequence: synonymous variant.
Genome position (GRCh38, 1-based): chr4:122,743,293, C>T. VCF-style: chr4-122743293-C-T. GRCh37 (hg19) VCF-style: chr4-123664448-C-T.
Other names: c.1401C>T, p.Asp467= (NM_001178007.2).
Identifiers: ClinVar variation 755169 (VCV000755169.11), dbSNP rs1578491425, ClinGen allele CA441121101.
Genomic context (GRCh38, chr4:122,743,293, plus strand): 5'-GGCTGCAGGAGCAGTACAGGTGGCCTACATTACACAAGTGAATGAAGATTGTGTGGGCGA[C>T]GGGGTCTGCGTGACCTTCTGGAGAAGCAGCCCTTTGGATGTTGTAGATAGGAACAACAGA-3'
Protein context (NP_689831.2, residues 457-477): ITQVNEDCVG[Asp467=]GVCVTFWRSS

ClinVar aggregate classification (germline): Likely benign. Review status: criteria provided, single submitter (1 of 4 stars). 3 submissions from 3 submitters: Likely benign (1). 2 of the submissions do not count toward it. Last evaluated 2022-07-13.

Conditions:
BBS12-related disorder. Also called: BBS12-related condition.
Bardet-Biedl syndrome 12 (BBS12). Identifiers: Orphanet 110, MedGen C1859570, MONDO:0014440, OMIM 615989.
Bardet-Biedl syndrome (BBS). Identifiers: Orphanet 110, MedGen C0752166, MONDO:0015229.

Allele frequency attached by ClinVar (database versions not stated): gnomAD exomes below 0.00001; TOPMed 0.00001.

Submissions (3):

Labcorp Genetics (formerly Invitae), Labcorp
Classification: Likely benign for Bardet-Biedl syndrome. Last evaluated: 2022-07-13. Review status: criteria provided, single submitter. Criteria: Invitae Variant Classification Sherloc (09022015). Collection method: clinical testing. Allele origin: germline.

PreventionGenetics, part of Exact Sciences
Classification: Likely benign for BBS12-related condition. Last evaluated: 2021-09-14. Review status: no assertion criteria provided. Collection method: clinical testing. Allele origin: germline. Not counted in ClinVar's aggregate classification.
Comment: This variant is classified as likely benign based on ACMG/AMP sequence variant interpretation guidelines (Richards et al. 2015 PMID: 25741868, with internal and published modifications).

Natera, Inc.
Classification: Uncertain significance for Bardet-Biedl syndrome type 12. Last evaluated: 2020-02-13. Review status: no assertion criteria provided. Collection method: clinical testing. Allele origin: germline. Not counted in ClinVar's aggregate classification.